The following is an entry in ClinVar:

ClinVar aggregate classification (germline): Uncertain significance (1 of 4 stars; one submission).

Conditions:
Retinitis pigmentosa 33 (RP33). Identifiers: Orphanet 791, MedGen C1835895, MONDO:0012477, OMIM 610359.

gnomAD v4.1: 10 of 1,613,144 alleles (0.00062%); highest among the groups gnomAD compares: Non-Finnish European, 0.00076%; no homozygotes.

Submission:

Juno Genomics, Hangzhou Juno Genomics, Inc
Classification: Uncertain significance for Retinitis pigmentosa 33. Review status: criteria provided, single submitter. Criteria: ACMG Guidelines, 2015. Collection method: clinical testing. Allele origin: germline.
Comment: Absent from controls (or at extremely low frequency if recessive) in Genome Aggregation Database.;Multiple lines of computational evidence support a deleterious effect on the gene or gene product.

NM_014014.5(SNRNP200):c.3259-11T>G

Gene: SNRNP200 (small nuclear ribonucleoprotein U5 subunit 200; minus strand). Cytogenetic location: 2q11.2.
Variant type: single nucleotide variant.
Coding change: c.3259-11T>G on transcript NM_014014.5 (MANE Select); 11 bases into the intron before coding-DNA position 3259, T replaced by G.
Molecular consequence: intron variant.
Genome position (GRCh38, 1-based): chr2:96,287,980, A>C on the plus strand (T>G on the coding strand, the complement: SNRNP200 is on the minus strand). VCF-style: chr2-96287980-A-C. GRCh37 (hg19) VCF-style: chr2-96953718-A-C.
Identifiers: ClinVar variation 5006348 (VCV005006348.2).